The following is an entry in ClinVar:

ClinVar aggregate classification (germline): Uncertain significance (1 of 4 stars; one submission).

Conditions:
Leigh syndrome (NULS). Also called: Subacute necrotizing encephalopathy; Necrotizing encephalopathy infantile subacute of Leigh; Leigh Syndrome (mtDNA deletion); LEIGH SYNDROME, NUCLEAR; Leigh's necrotizing encephalopathy; Leigh's disease. Identifiers: Orphanet 506, MedGen C2931891, MONDO:0009723, OMIM 256000.

Submission:

Labcorp Genetics (formerly Invitae), Labcorp
Classification: Uncertain significance for Leigh syndrome. Last evaluated: 2023-09-25. Review status: criteria provided, single submitter. Criteria: Invitae Variant Classification Sherloc (09022015). Collection method: clinical testing. Allele origin: germline.
Comment: In summary, the available evidence is currently insufficient to determine the role of this variant in disease. Therefore, it has been classified as a Variant of Uncertain Significance. Advanced modeling of protein sequence and biophysical properties (such as structural, functional, and spatial information, amino acid conservation, physicochemical variation, residue mobility, and thermodynamic stability) performed at Invitae indicates that this missense variant is not expected to disrupt SURF1 protein function. ClinVar contains an entry for this variant (Variation ID: 2078270). This variant has not been reported in the literature in individuals affected with SURF1-related conditions. This variant is not present in population databases (gnomAD no frequency). This sequence change replaces proline, which is neutral and non-polar, with arginine, which is basic and polar, at codon 222 of the SURF1 protein (p.Pro222Arg).

NM_003172.4(SURF1):c.665C>G (p.Pro222Arg)

Gene: SURF1 (SURF1 cytochrome c oxidase assembly factor; minus strand). Cytogenetic location: 9q34.2.
Variant type: single nucleotide variant.
Coding change: c.665C>G on transcript NM_003172.4 (MANE Select); coding-DNA position 665, C replaced by G.
Protein change: p.Pro222Arg; replaces proline 222 with arginine.
Molecular consequence: missense variant.
Genome position (GRCh38, 1-based): chr9:133,352,532, G>C on the plus strand (C>G on the coding strand, the complement: SURF1 is on the minus strand). VCF-style: chr9-133352532-G-C. GRCh37 (hg19) VCF-style: chr9-136219387-G-C.
Other names: c.338C>G, p.Pro113Arg (NM_001280787.1); short protein forms P113R, P222R.
Identifiers: ClinVar variation 2078270 (VCV002078270.4), dbSNP rs2490616059, ClinGen allele CA375693778.